The following is an entry in ClinVar:

ClinVar aggregate classification (germline): Benign. Review status: criteria provided, multiple submitters, no conflicts (2 of 4 stars). 2 submissions from 2 submitters: Benign (2). Last evaluated 2018-06-19.

Allele frequency attached by ClinVar (database versions not stated): 1000 Genomes Project 30x 0.11165; 1000 Genomes Project 0.11601; TOPMed 0.12006; gnomAD 0.12796 and 0.13264; gnomAD exomes 0.16563.
gnomAD v4.1: 217,342 of 1,339,996 alleles (16%); highest among the groups gnomAD compares: South Asian, 27%; 19,577 homozygotes.

Submissions (2):

GeneDx
Classification: Benign. Last evaluated: 2018-06-19. Review status: criteria provided, single submitter. Criteria: GeneDx Variant Classification (06012015). Collection method: clinical testing. Allele origin: germline. Affected: yes.
Comment: This variant is considered likely benign or benign based on one or more of the following criteria: it is a conservative change, it occurs at a poorly conserved position in the protein, it is predicted to be benign by multiple in silico algorithms, and/or has population frequency not consistent with disease.

Breakthrough Genomics
Classification: Benign. Review status: criteria provided, single submitter. Criteria: ACMG Guidelines, 2015. Collection method: not provided. Allele origin: germline. Inheritance: Autosomal recessive inheritance. Affected: yes.

NM_000083.3(CLCN1):c.2172+128A>G

Gene: CLCN1 (chloride voltage-gated channel 1; plus strand). Cytogenetic location: 7q34.
Variant type: single nucleotide variant.
Coding change: c.2172+128A>G on transcript NM_000083.3 (MANE Select); 128 bases into the intron after coding-DNA position 2172, A replaced by G.
Molecular consequence: intron variant.
Genome position (GRCh38, 1-based): chr7:143,345,890, A>G. VCF-style: chr7-143345890-A-G. GRCh37 (hg19) VCF-style: chr7-143042983-A-G.
Identifiers: ClinVar variation 680258 (VCV000680258.2), dbSNP rs45554138, ClinGen allele CA12599828.